The following is an entry in ClinVar:

NM_005859.5(PURA):c.114_125del (p.Gly39_Gly42del)

Gene: PURA (purine rich element binding protein A; plus strand). Cytogenetic location: 5q31.3.
Variant type: Deletion.
Coding change: c.114_125del on transcript NM_005859.5 (MANE Select); coding-DNA positions 114 to 125, 12 bases deleted (GGGCGGCGGCGG).
Protein change: p.Gly39_Gly42del.
Molecular consequence: inframe deletion.
Genome position (GRCh38, 1-based): chr5:140,114,295-140,114,306, GGGCGGCGGCGG deleted; deleting any 12 consecutive bases within chr5:140,114,287-140,114,306 gives the same sequence; the c. name uses the placement nearest the transcript's 3' end. VCF-style (leftmost placement, unchanged base first): chr5-140114286-TGGCGGCGGGGGC-T. GRCh37 (hg19) VCF-style: chr5-139493871-TGGCGGCGGGGGC-T.
Other names: c.114_125del12 (NM_005859.5).
Identifiers: ClinVar variation 2879121 (VCV002879121.4), dbSNP rs1342082060, ClinGen allele CA804698824.
Genomic context (GRCh38, chr5:140,114,286, plus strand): 5'-GGGTTCGGGCGGCTCCCTGGGGCACCCCGGCTCGGGCTCAGGCTCCGGCGGGGGCGGTGG[TGGCGGCGGGGGC>T]GGCGGCGGCAGTGGCGGCGGCGGCGGCGGGGCCCCAGGGGGGCTGCAGCACGAGACGCAG-3'

ClinVar aggregate classification (germline): Uncertain significance. Review status: criteria provided, multiple submitters, no conflicts (2 of 4 stars). 2 submissions from 2 submitters: Uncertain significance (2). Last evaluated 2025-06-19.

Conditions:
PURA-related severe neonatal hypotonia-seizures-encephalopathy syndrome (NEDRIHF). Also called: PURA-Related Neurodevelopmental Disorders; NEURODEVELOPMENTAL DISORDER WITH NEONATAL RESPIRATORY INSUFFICIENCY, HYPOTONIA, AND FEEDING DIFFICULTIES. Identifiers: Orphanet 438213, Orphanet 438216, MedGen C4015357, MONDO:1060108, OMIM 616158, MONDO:0018580.

Submissions (2):

Women's Health and Genetics/Laboratory Corporation of America, LabCorp
Classification: Uncertain significance. Last evaluated: 2025-06-19. Review status: criteria provided, single submitter. Criteria: LabCorp Variant Classification Summary - May 2015. Collection method: clinical testing. Allele origin: germline.
Comment: Variant summary: PURA c.114_125del12 (p.Gly39_Gly42del) results in an in-frame deletion that is predicted to remove 4 amino acids from the encoded protein. The variant was absent in 2532 control chromosomes. The available data on variant occurrences in the general population are insufficient to allow any conclusion about variant significance. To our knowledge, no occurrence of c.114_125del12 in individuals affected with Mental Retardation, Autosomal Dominant 31 and no experimental evidence demonstrating its impact on protein function have been reported. ClinVar contains an entry for this variant (Variation ID: 2879121). Based on the evidence outlined above, the variant was classified as uncertain significance.

Labcorp Genetics (formerly Invitae), Labcorp
Classification: Uncertain significance for PURA-related severe neonatal hypotonia-seizures-encephalopathy syndrome. Last evaluated: 2024-01-17. Review status: criteria provided, single submitter. Criteria: Invitae Variant Classification Sherloc (09022015). Collection method: clinical testing. Allele origin: germline.
Comment: This variant, c.114_125del, results in the deletion of 4 amino acid(s) of the PURA protein (p.Gly39_Gly42del), but otherwise preserves the integrity of the reading frame. The frequency data for this variant in the population databases is considered unreliable, as metrics indicate insufficient coverage at this position in the gnomAD database. This variant has not been reported in the literature in individuals affected with PURA-related conditions. Experimental studies and prediction algorithms are not available or were not evaluated, and the functional significance of this variant is currently unknown. In summary, the available evidence is currently insufficient to determine the role of this variant in disease. Therefore, it has been classified as a Variant of Uncertain Significance.